The following is an entry in ClinVar:

ClinVar aggregate classification (germline): Uncertain significance. Review status: criteria provided, multiple submitters, no conflicts (2 of 4 stars). 2 submissions from 2 submitters: Uncertain significance (2). Last evaluated 2023-08-16.

Conditions:
Intellectual developmental disorder, autosomal dominant 1. Also called: MBD5 Haploinsufficiency; Intellectual disability, autosomal dominant 1. Identifiers: Orphanet 228402, MedGen C1969562, MONDO:0007974, OMIM 156200.
MBD5-related disorder. Also called: MBD5-related condition.

Allele frequency attached by ClinVar (database versions not stated): gnomAD exomes below 0.00001.
gnomAD v4.1: 6 of 1,613,778 alleles (0.00037%); highest among the groups gnomAD compares: Non-Finnish European, 0.00051%; no homozygotes.

Submissions (2):

Labcorp Genetics (formerly Invitae), Labcorp
Classification: Uncertain significance for Intellectual developmental disorder, autosomal dominant 1. Last evaluated: 2023-08-16. Review status: criteria provided, single submitter. Criteria: Invitae Variant Classification Sherloc (09022015). Collection method: clinical testing. Allele origin: germline.
Comment: This variant has not been reported in the literature in individuals affected with MBD5-related conditions. This variant is not present in population databases (gnomAD no frequency). This sequence change replaces cysteine, which is neutral and slightly polar, with arginine, which is basic and polar, at codon 164 of the MBD5 protein (p.Cys164Arg). In summary, the available evidence is currently insufficient to determine the role of this variant in disease. Therefore, it has been classified as a Variant of Uncertain Significance. Advanced modeling of protein sequence and biophysical properties (such as structural, functional, and spatial information, amino acid conservation, physicochemical variation, residue mobility, and thermodynamic stability) performed at Invitae indicates that this missense variant is not expected to disrupt MBD5 protein function.

PreventionGenetics, part of Exact Sciences
Classification: Uncertain significance for MBD5-related condition. Last evaluated: 2023-05-26. Review status: criteria provided, single submitter. Criteria: ACMG Guidelines, 2015. Collection method: clinical testing. Allele origin: germline.
Comment: The MBD5 c.490T>C variant is predicted to result in the amino acid substitution p.Cys164Arg. To our knowledge, this variant has not been reported in the literature or in a large population database, indicating this variant is rare. At this time, the clinical significance of this variant is uncertain due to the absence of conclusive functional and genetic evidence.

NM_001378120.1(MBD5):c.490T>C (p.Cys164Arg)

Gene: MBD5 (methyl-CpG binding domain protein 5; plus strand). Cytogenetic location: 2q23.1.
Variant type: single nucleotide variant.
Coding change: c.490T>C on transcript NM_001378120.1 (MANE Select); coding-DNA position 490, T replaced by C.
Protein change: p.Cys164Arg; replaces cysteine 164 with arginine.
Molecular consequence: missense variant.
Genome position (GRCh38, 1-based): chr2:148,468,433, T>C. VCF-style: chr2-148468433-T-C. GRCh37 (hg19) VCF-style: chr2-149226002-T-C.
Other names: c.490T>C, p.Cys164Arg (NM_018328.5); short protein forms C164R.
Identifiers: ClinVar variation 2632496 (VCV002632496.4), dbSNP rs1680661461, ClinGen allele CA348716901.